The following is an entry in ClinVar:

NM_007294.4(BRCA1):c.811G>C (p.Val271Leu)

Gene: BRCA1 (BRCA1 DNA repair associated; minus strand). Cytogenetic location: 17q21.31.
Variant type: single nucleotide variant.
Coding change: c.811G>C on transcript NM_007294.4 (MANE Select); coding-DNA position 811, G replaced by C.
Protein change: p.Val271Leu; replaces valine 271 with leucine.
Molecular consequence: missense variant. On other transcripts: 5 prime UTR variant (2), intron variant (137).
Genome position (GRCh38, 1-based): chr17:43,094,720, C>G on the plus strand (G>C on the coding strand, the complement: BRCA1 is on the minus strand). VCF-style: chr17-43094720-C-G. GRCh37 (hg19) VCF-style: chr17-41246737-C-G.
Other names: c.598G>C, p.Val200Leu (NM_001407571.1, NM_001407915.1, NM_001407916.1 and 9 more transcripts); c.811G>C, p.Val271Leu (NM_001407581.1, NM_001407582.1, NM_001407583.1 and 30 more transcripts); c.808G>C, p.Val270Leu (NM_001407587.1, NM_001407590.1, NM_001407591.1 and 22 more transcripts); c.733G>C, p.Val245Leu (NM_001407653.1, NM_001407654.1, NM_001407655.1 and 4 more transcripts); c.730G>C, p.Val244Leu (NM_001407659.1, NM_001407660.1, NM_001407661.1 and 1 more transcripts); c.685G>C, p.Val229Leu (NM_001407672.1, NM_001407673.1, NM_001407691.1 and 11 more transcripts); c.688G>C, p.Val230Leu (NM_001407674.1, NM_001407675.1, NM_001407676.1 and 19 more transcripts); c.670G>C, p.Val224Leu (NM_001407692.1, NM_001407694.1, NM_001407695.1 and 29 more transcripts); and 40 more; short protein forms V271L, V224L, V103L, V160L, V182L, V229L, V268L, V159L.
Identifiers: ClinVar variation 55721 (VCV000055721.38), dbSNP rs80357244, ClinGen allele CA003907.
Genomic context (GRCh38, chr17:43,094,720, plus strand): 5'-ATAAACTGCTGTTCTCATGCTGTAATGAGCTGGCATGAGTATTTGTGCCACATGGCTCCA[C>G]ATGCAAGTTTGAAACAGAACTACCCTGATACTTTTCTGGATGCCTCTCAGCTGCACGCTT-3'
Protein context (NP_009225.1, residues 261-281): YQGSSVSNLH[Val271Leu]EPCGTNTHAS

ClinVar aggregate classification (germline): Conflicting classifications of pathogenicity. Review status: criteria provided, conflicting classifications (1 of 4 stars). 11 submissions from 11 submitters: Uncertain significance (4); Benign (1); Likely benign (2). 4 of the submissions do not count toward it. Last evaluated 2025-07-03.

Conditions:
Hereditary cancer-predisposing syndrome. Also called: Hereditary Cancer Syndrome; Hereditary neoplastic syndrome; Neoplastic Syndromes, Hereditary; Tumor predisposition. Identifiers: Orphanet 140162, MedGen C0027672, MeSH D009386, MONDO:0015356.
Familial cancer of breast. Also called: hereditary breast carcinoma; BREAST CANCER, FAMILIAL; Hereditary breast cancer. Identifiers: Orphanet 227535, MedGen C0346153, MONDO:0016419, OMIM 114480. Disease mechanism: loss of function.
Malignant tumor of breast. Also called: Cancer breast; Malignant breast neoplasm. Identifiers: MedGen C0006142, MONDO:0007254. Disease mechanism: loss of function.
Breast-ovarian cancer, familial, susceptibility to, 1 (BROVCA1). Also called: BRCA1 Hereditary Breast and Ovarian Cancer; OVARIAN CANCER, SUSCEPTIBILITY TO. Identifiers: Orphanet 145, MedGen C2676676, MONDO:0011450, OMIM 604370. Disease mechanism: loss of function.
Hereditary breast ovarian cancer syndrome. Also called: BRCA1- and BRCA2-Associated Hereditary Breast and Ovarian Cancer; Hereditary breast and ovarian cancer syndrome; Hereditary breast and ovarian cancer syndrome (HBOC); Breast and ovarian cancer; Hereditary breast and/or ovarian cancer syndrome; Hereditary breast and ovarian cancer. Identifiers: Orphanet 145, MedGen C0677776, MeSH D061325, MONDO:0003582. Disease mechanism: loss of function.

Allele frequency attached by ClinVar (database versions not stated): TOPMed 0.00002.
gnomAD v4.1: 4 of 1,611,680 alleles (0.00025%); highest among the groups gnomAD compares: Non-Finnish European, 0.00034%; no homozygotes.

Submissions (11):

Color Diagnostics, LLC DBA Color Health
Classification: Likely benign for Hereditary cancer-predisposing syndrome. Last evaluated: 2025-07-03. Review status: criteria provided, single submitter. Criteria: ACMG Guidelines, 2015. Collection method: clinical testing. Allele origin: germline.

Labcorp Genetics (formerly Invitae), Labcorp
Classification: Uncertain significance for Hereditary breast ovarian cancer syndrome. Last evaluated: 2025-06-11. Review status: criteria provided, single submitter. Criteria: Invitae Variant Classification Sherloc (09022015). Collection method: clinical testing. Allele origin: germline.
Comment: This sequence change replaces valine, which is neutral and non-polar, with leucine, which is neutral and non-polar, at codon 271 of the BRCA1 protein (p.Val271Leu). This variant is not present in population databases (gnomAD no frequency). This missense change has been observed in individual(s) with a personal or family history of breast and/or ovarian cancer (PMID: 9333265, 15955690, 22476429). This variant is also known as c.930G>C. ClinVar contains an entry for this variant (Variation ID: 55721). Invitae Evidence Modeling of protein sequence and biophysical properties (such as structural, functional, and spatial information, amino acid conservation, physicochemical variation, residue mobility, and thermodynamic stability) indicates that this missense variant is expected to disrupt BRCA1 protein function with a positive predictive value of 80%. Experimental studies have shown that this missense change does not substantially affect BRCA1 function (PMID: 23867111, 25823446). In summary, the available evidence is currently insufficient to determine the role of this variant in disease. Therefore, it has been classified as a Variant of Uncertain Significance.

Ambry Genetics
Classification: Uncertain significance for Hereditary cancer-predisposing syndrome. Last evaluated: 2024-07-17. Review status: criteria provided, single submitter. Criteria: Ambry Variant Classification Scheme 2023. Collection method: clinical testing. Allele origin: germline.
Comment: The p.V271L variant (also known as c.811G>C), located in coding exon 9 of the BRCA1 gene, results from a G to C substitution at nucleotide position 811. The valine at codon 271 is replaced by leucine, an amino acid with highly similar properties. This alteration has been identified in multiple individuals diagnosed with breast and/or ovarian cancer (Shattuck-Eidens D et al. JAMA. 1997 Oct 15;278(15):1242-50; W&aacute;rl&aacute;m-Rodenhuis CC et al. Eur. J. Cancer, 2005 Jul;41:1409-15; Lu W et al. Fam. Cancer, 2012 Sep;11:381-5). A cDNA-based functional assay that tested the ability of BRCA1 variants to complement BRCA1 deficient mouse embryonic stem cells classified this variant as neutral based on both the ability to support proliferation and cisplatin response (Bouwman P et al. Cancer Discov, 2013 Oct;3:1142-55). This amino acid position is well conserved in available vertebrate species. In addition, the in silico prediction for this alteration is inconclusive. Based on the available evidence, the clinical significance of this variant remains unclear.

MGZ Medical Genetics Center
Classification: Benign for Familial cancer of breast. Last evaluated: 2024-02-09. Review status: criteria provided, single submitter. Criteria: CSpec BRCA1/2ACMG Rules Specifications V1.1.0. Collection method: clinical testing. Allele origin: germline. Affected: yes.
Comment: ACMG codes applied following ENIGMA VCEP rules: BP1_STR, BS3, PM2_SUP

University of Washington Department of Laboratory Medicine, University of Washington
Classification: Likely benign for Hereditary cancer-predisposing syndrome. Last evaluated: 2023-03-23. Review status: criteria provided, single submitter. Criteria: Dines et al. (Genet Med. 2020). Collection method: curation. Allele origin: germline.
Comment: Missense variant in a coldspot region where missense variants are very unlikely to be pathogenic (PMID:31911673).

BRCA1 coldspot (exon 11 using historical exon numbering). Reclassification based on statistical prior probability

Quest Diagnostics Nichols Institute San Juan Capistrano
Classification: Uncertain significance. Last evaluated: 2019-02-12. Review status: criteria provided, single submitter. Criteria: Quest Diagnostics criteria. Collection method: clinical testing. Allele origin: germline.

Women's Health and Genetics/Laboratory Corporation of America, LabCorp
Classification: Uncertain significance. Last evaluated: 2016-12-19. Review status: criteria provided, single submitter. Criteria: LabCorp Variant Classification Summary - May 2015. Collection method: clinical testing. Allele origin: germline.
Comment: Variant summary: The BRCA1 c.811G>C (p.Val271Leu) variant involves the alteration of a non-conserved nucleotide. 2/4 in silico tools predict a damaging outcome for this variant (SNPs&GO not captured due to low reliability index). This variant is absent in 120990 control chromosomes. This variant has been reported in affected individuals without strong evidence of causality. Variant was predicted to be deleterious based comparative evolution analysis (Pavlicek_HMG_2004), and was predicted to be neutral via cisplatin sensitivity assay and HR activity (Bouwman_Cancer Discovery_2013). In addition, multiple clinical diagnostic laboratories/reputable databases as well as literature reports classified this variant as uncertain significance. Taken together, this variant is classified as VUS.

Breast Cancer Information Core (BIC) (BRCA1)
Classification: Uncertain significance for Breast-ovarian cancer, familial 1. Last evaluated: 2004-02-20. Review status: no assertion criteria provided. Collection method: clinical testing. Allele origin: germline. Affected: yes. Observed: 3 variant alleles. Not counted in ClinVar's aggregate classification.

Clinical Genetics Laboratory, Department of Pathology, Netherlands Cancer Institute
Classification: Likely benign. Review status: no assertion criteria provided. Collection method: clinical testing. Allele origin: germline. Affected: yes. Study: VKGL Data-share Consensus. Not counted in ClinVar's aggregate classification.

Department of Pathology and Laboratory Medicine, Sinai Health System
Classification: Uncertain significance for Malignant tumor of breast. Review status: no assertion criteria provided. Collection method: clinical testing. Allele origin: unknown. Affected: yes. Study: The Canadian Open Genetics Repository (COGR). Not counted in ClinVar's aggregate classification.
Comment: The p.Val271Leu variant was identified in dbSNP (ID: rs80357244), Exome Aggregation Consortium (ExAC) database, the ClinVar database (classified as a uncertain significance variant by the BIC and CHEO), GeneInsight VariantWire database (1X, classified as â€šÃ„ÃºIARC 3â€šÃ„Ã¹ by a clinical laboratory) and the BIC database (3X with unknown clinical importance). This variant was identified in the 1000 Genomes Project in 1 of 5000 chromosomes (frequency: 0.0002), the Exome Aggregation Consortium (ExAC) database in 12 of 8652 chromosomes (frequency: 0.001) from a population of East Asian individuals, increasing the likelihood this may be a low frequency benign variant in this population of origin. The p.Val271 residue is not conserved in mammals and four out of five computational analyses (PolyPhen-2, SIFT, AlignGVGD, BLOSUM, MutationTaster) do not suggest a high likelihood of impact to the protein. However, this information is not predictive enough to rule out pathogenicity. Another variant at this same position, c.811G>A (p.Val271Met) was previously classified by our laboratory as predicted benign, increasing the likelihood that this residue may not be functionally important.The variant occurs outside of the splicing consensus sequence and in silico or computational prediction software programs (SpliceSiteFinder, MaxEntScan, NNSPLICE, GeneSplicer, HumanSpliceFinder) predicts a difference in splicing in 1 of 5 programs. However, a functional study by Bouwman et al (2013) classified the variant as neutral based on cisplatin response. In summary, based on the above information, the clinical significance of this variant cannot be determined with certainty at this time. This variant is classified as a variant of unknown significance.

Diagnostic Laboratory, Department of Genetics, University Medical Center Groningen
Classification: Likely benign. Review status: no assertion criteria provided. Collection method: clinical testing. Allele origin: germline. Affected: yes. Study: VKGL Data-share Consensus. Not counted in ClinVar's aggregate classification.

Literature cited by the submitters: PubMed 9333265 (cited by 3 submitters); PubMed 15955690 (cited by 4 submitters); PubMed 22476429 (cited by 4 submitters); PubMed 23867111 (cited by 4 submitters); PubMed 25823446 (cited by 3 submitters); PubMed 16267036 (cited by Women's Health and Genetics/Laboratory Corporation of America, LabCorp); PubMed 12427538 (cited by Women's Health and Genetics/Laboratory Corporation of America, LabCorp); PubMed 15385441 (cited by Women's Health and Genetics/Laboratory Corporation of America, LabCorp).